The following is an entry in ClinVar:

ClinVar aggregate classification (germline): Likely benign (1 of 4 stars; one submission).

gnomAD v4.1: 52 of 1,614,040 alleles (0.0032%); highest among the groups gnomAD compares: Admixed American, 0.013%; no homozygotes.

Submission:

CeGaT Center for Human Genetics Tuebingen
Classification: Likely benign. Last evaluated: 2026-04-01. Review status: criteria provided, single submitter. Criteria: CeGaT Center For Human Genetics Tuebingen Variant Classification Criteria Version 2. Collection method: clinical testing. Allele origin: germline. Affected: yes. Observed: 1 variant allele.
Comment: WDFY3: BP4, BP7

NM_014991.6(WDFY3):c.9978T>C (p.Ser3326=)

Gene: WDFY3 (WD repeat and FYVE domain containing 3; minus strand). Cytogenetic location: 4q21.23.
Variant type: single nucleotide variant.
Coding change: c.9978T>C on transcript NM_014991.6 (MANE Select); coding-DNA position 9978, T replaced by C.
Protein change: p.Ser3326=; no amino-acid change (serine 3326 retained).
Molecular consequence: synonymous variant.
Genome position (GRCh38, 1-based): chr4:84,679,088, A>G on the plus strand (T>C on the coding strand, the complement: WDFY3 is on the minus strand). VCF-style: chr4-84679088-A-G. GRCh37 (hg19) VCF-style: chr4-85600241-A-G.
Identifiers: ClinVar variation 4872335 (VCV004872335.2).
Genomic context (GRCh38, chr4:84,679,088, plus strand): 5'-GAAGCCGTCTTTCTCATCTAGACTGAGCTGGTCGGACCAGCGTCTGGAGTCGTCAGAGCC[A>G]CTGTCAGTACACCAGGCGGCTGTTGCGCGGCAGGAGGCTGCCCGGGGCCTGTGGCTGGTG-3'
Protein context (NP_055806.2, residues 3316-3336): CRATAAWCTD[Ser3326=]GSDDSRRWSD